The following is an entry in ClinVar:

ClinVar aggregate classification (germline): Uncertain significance (1 of 4 stars; one submission).

Conditions:
Ataxia-telangiectasia syndrome (AT). Also called: Cerebello-oculocutaneous telangiectasia; Immunodeficiency with ataxia telangiectasia; Ataxia-telangiectasia, complementation group E; Ataxia-telangiectasia, complementation group D; AT, COMPLEMENTATION GROUP C; ATAXIA-TELANGIECTASIA, COMPLEMENTATION GROUP A. Identifiers: Orphanet 100, MedGen C0004135, MONDO:0008840, OMIM 208900.

Submission:

Labcorp Genetics (formerly Invitae), Labcorp
Classification: Uncertain significance for Ataxia-telangiectasia syndrome. Last evaluated: 2022-08-16. Review status: criteria provided, single submitter. Criteria: Invitae Variant Classification Sherloc (09022015). Collection method: clinical testing. Allele origin: germline.
Comment: In summary, the available evidence is currently insufficient to determine the role of this variant in disease. Therefore, it has been classified as a Variant of Uncertain Significance. Experimental studies and prediction algorithms are not available or were not evaluated, and the functional significance of this variant is currently unknown. ClinVar contains an entry for this variant (Variation ID: 569373). This variant has not been reported in the literature in individuals affected with ATM-related conditions. This variant is not present in population databases (gnomAD no frequency). This variant, c.6163_6165del, results in the deletion of 1 amino acid(s) of the ATM protein (p.Ile2055del), but otherwise preserves the integrity of the reading frame.

NM_000051.4(ATM):c.6163_6165del (p.Ile2055del)

Genes: ATM (ATM serine/threonine kinase; plus strand), C11orf65 (chromosome 11 open reading frame 65; minus strand). Cytogenetic location: 11q22.3.
Variant type: Deletion.
Coding change: c.6163_6165del on transcript NM_000051.4 (MANE Select); coding-DNA positions 6163 to 6165, 3 bases deleted (ATC; older notation c.6163_6165delATC).
Protein change: p.Ile2055del; deletes isoleucine 2055.
Molecular consequence: inframe deletion. On other transcripts: intron variant (2).
Genome position (GRCh38, 1-based): chr11:108,316,078-108,316,080, ATC deleted. VCF-style (leftmost placement, unchanged base first): chr11-108316077-AATC-A. GRCh37 (hg19) VCF-style: chr11-108186804-AATC-A.
Other names: c.6163_6165del, p.Ile2055del (NM_001351834.2); c.641-7009_641-7007del (NM_001330368.2); c.*39-7009_*39-7007del (NM_001351110.2); short protein forms I2055del.
Identifiers: ClinVar variation 569373 (VCV000569373.9), dbSNP rs1565499855, ClinGen allele CA891842648.